The following is an entry in ClinVar:

NM_001244008.2(KIF1A):c.3540C>G (p.His1180Gln)

Gene: KIF1A (kinesin family member 1A; minus strand). Cytogenetic location: 2q37.3.
Variant type: single nucleotide variant.
Coding change: c.3540C>G on transcript NM_001244008.2 (MANE Select); coding-DNA position 3540, C replaced by G.
Protein change: p.His1180Gln; replaces histidine 1180 with glutamine.
Molecular consequence: missense variant.
Genome position (GRCh38, 1-based): chr2:240,743,986, G>C on the plus strand (C>G on the coding strand, the complement: KIF1A is on the minus strand). VCF-style: chr2-240743986-G-C. GRCh37 (hg19) VCF-style: chr2-241683403-G-C.
Other names: c.3264C>G, p.His1088Gln (NM_001320705.2, NM_001330289.2, NM_001379638.1); c.3339C>G, p.His1113Gln (NM_001330290.2, NM_001379634.1, NM_001379635.1 and 1 more transcripts); c.3615C>G, p.His1205Gln (NM_001379631.1); c.3489C>G, p.His1163Gln (NM_001379632.1); c.3513C>G, p.His1171Gln (NM_001379633.1, NM_001379642.1, NM_001379645.1); c.3237C>G, p.His1079Gln (NM_001379636.1, NM_001379639.1, NM_001379641.1 and 5 more transcripts); c.3312C>G, p.His1104Gln (NM_001379637.1, NM_001379648.1); c.3234C>G, p.His1078Gln (NM_001379640.1); short protein forms H1078Q, H1079Q, H1088Q, H1104Q, H1113Q, H1163Q, H1171Q, H1180Q.
Identifiers: ClinVar variation 4074670 (VCV004074670.1).

ClinVar aggregate classification (germline): Uncertain significance (1 of 4 stars; one submission).

Submission:

GeneDx
Classification: Uncertain significance. Last evaluated: 2025-02-11. Review status: criteria provided, single submitter. Criteria: GeneDx Variant Classification Process June 2021. Collection method: clinical testing. Allele origin: germline. Affected: yes.
Comment: Not observed at significant frequency in large population cohorts (gnomAD); In silico analysis supports that this missense variant has a deleterious effect on protein structure/function; Has not been previously published as pathogenic or benign to our knowledge